The following is an entry in ClinVar:

NM_194277.3(FRMD7):c.886G>C (p.Gly296Arg)

Gene: FRMD7 (FERM domain containing 7; minus strand). Cytogenetic location: Xq26.2.
Variant type: single nucleotide variant.
Coding change: c.886G>C on transcript NM_194277.3 (MANE Select); coding-DNA position 886, G replaced by C.
Protein change: p.Gly296Arg; replaces glycine 296 with arginine.
Molecular consequence: missense variant.
Genome position (GRCh38, 1-based): chrX:132,082,382, C>G on the plus strand (G>C on the coding strand, the complement: FRMD7 is on the minus strand). VCF-style: chrX-132082382-C-G. GRCh37 (hg19) VCF-style: chrX-131216410-C-G.
Other names: c.841G>C, p.Gly281Arg (NM_001306193.2); short protein forms G281R, G296R.
Identifiers: ClinVar variation 871644 (VCV000871644.45), dbSNP rs1927846857, ClinGen allele CA414680345.

ClinVar aggregate classification (germline): Pathogenic. Review status: criteria provided, multiple submitters, no conflicts (2 of 4 stars). 2 submissions from 2 submitters: Pathogenic (2). Last evaluated 2022-08-16.

Submissions (2):

Labcorp Genetics (formerly Invitae), Labcorp
Classification: Pathogenic. Last evaluated: 2022-08-16. Review status: criteria provided, single submitter. Criteria: Invitae Variant Classification Sherloc (09022015). Collection method: clinical testing. Allele origin: germline.
Comment: This sequence change replaces glycine, which is neutral and non-polar, with arginine, which is basic and polar, at codon 296 of the FRMD7 protein (p.Gly296Arg). For these reasons, this variant has been classified as Pathogenic. Experimental studies have shown that this missense change affects FRMD7 function (PMID: 23967341). Algorithms developed to predict the effect of missense changes on protein structure and function (SIFT, PolyPhen-2, Align-GVGD) all suggest that this variant is likely to be disruptive. ClinVar contains an entry for this variant (Variation ID: 871644). This missense change has been observed in individual(s) with nystagmus (PMID: 17893669, 25678693). It has also been observed to segregate with disease in related individuals. This variant is not present in population databases (gnomAD no frequency).

CeGaT Center for Human Genetics Tuebingen
Classification: Pathogenic. Last evaluated: 2019-03-01. Review status: criteria provided, single submitter. Criteria: CeGaT Center For Human Genetics Tuebingen Variant Classification Criteria Version 2. Collection method: clinical testing. Allele origin: germline. Affected: yes. Observed: 1 variant allele.

Literature cited by the submitters: PubMed 23967341 (cited by Labcorp Genetics (formerly Invitae), Labcorp); PubMed 17893669 (cited by Labcorp Genetics (formerly Invitae), Labcorp); PubMed 25678693 (cited by Labcorp Genetics (formerly Invitae), Labcorp).